The following is an entry in ClinVar:

NM_001010892.3(RSPH4A):c.833T>G (p.Leu278Arg)

Gene: RSPH4A (radial spoke head component 4A; plus strand). Cytogenetic location: 6q22.1.
Variant type: single nucleotide variant.
Coding change: c.833T>G on transcript NM_001010892.3 (MANE Select); coding-DNA position 833, T replaced by G.
Protein change: p.Leu278Arg; replaces leucine 278 with arginine.
Molecular consequence: missense variant.
Genome position (GRCh38, 1-based): chr6:116,622,914, T>G. VCF-style: chr6-116622914-T-G. GRCh37 (hg19) VCF-style: chr6-116944077-T-G.
Other names: c.833T>G, p.Leu278Arg (NM_001161664.2); short protein forms L278R.
Identifiers: ClinVar variation 454525 (VCV000454525.12), dbSNP rs1406041200, ClinGen allele CA365399853.

ClinVar aggregate classification (germline): Uncertain significance. Review status: criteria provided, multiple submitters, no conflicts (2 of 4 stars). 2 submissions from 2 submitters: Uncertain significance (2). Last evaluated 2025-05-11.

Conditions:
Primary ciliary dyskinesia. Also called: Ciliary dyskinesia. Identifiers: Orphanet 244, MedGen C0008780, MONDO:0016575, HP:0012265.

Allele frequency attached by ClinVar (database versions not stated): gnomAD exomes below 0.00001; TOPMed 0.00001.
gnomAD v4.1: 1 of 1,613,988 alleles (0.000062%); highest among the groups gnomAD compares: Admixed American, 0.0017%; no homozygotes.

Submissions (2):

Labcorp Genetics (formerly Invitae), Labcorp
Classification: Uncertain significance for Primary ciliary dyskinesia. Last evaluated: 2025-05-11. Review status: criteria provided, single submitter. Criteria: Invitae Variant Classification Sherloc (09022015). Collection method: clinical testing. Allele origin: germline.
Comment: This sequence change replaces leucine, which is neutral and non-polar, with arginine, which is basic and polar, at codon 278 of the RSPH4A protein (p.Leu278Arg). This variant is not present in population databases (gnomAD no frequency). This variant has not been reported in the literature in individuals affected with RSPH4A-related conditions. ClinVar contains an entry for this variant (Variation ID: 454525). Invitae Evidence Modeling of protein sequence and biophysical properties (such as structural, functional, and spatial information, amino acid conservation, physicochemical variation, residue mobility, and thermodynamic stability) indicates that this missense variant is not expected to disrupt RSPH4A protein function with a negative predictive value of 80%. In summary, the available evidence is currently insufficient to determine the role of this variant in disease. Therefore, it has been classified as a Variant of Uncertain Significance.

Ambry Genetics
Classification: Uncertain significance for Primary ciliary dyskinesia. Last evaluated: 2025-04-01. Review status: criteria provided, single submitter. Criteria: Ambry Variant Classification Scheme 2023. Collection method: clinical testing. Allele origin: germline.